The following is an entry in ClinVar:

ClinVar aggregate classification (germline): Likely pathogenic (0 of 4 stars; one submission).

Conditions:
Non-obstructive azoospermia. Identifiers: MedGen C4021107, HP:0011961.

gnomAD v4.1: 2 of 1,613,592 alleles (0.00012%); highest among the groups gnomAD compares: South Asian, 0.0022%; no homozygotes.

Submission:

Yatsenko Laboratory, Magee-Womens Research Institute, University of Pittsburgh
Classification: Likely pathogenic for Non-obstructive azoospermia. Last evaluated: 2025-01-21. Review status: no assertion criteria provided. Collection method: clinical testing. Allele origin: inherited. Affected: yes. Observed: 2 variant alleles.
Comment: The variant g.38566669_38566669G>A (p.Thr55Ile) in the DMC1 gene has an MAF of 0.000001231 in the general population according to gnomAD v.4.1.0. The overall allele count is 2 in the South Asian subpopulation with one male and one female carrying the variant; no homozygous individuals for this variant have been previously reported. This variant codes for a missense variant that appeared homozygous in 2 affected siblings diagnosed with non-obstructive azoospermia (NOA) and was absent in an unaffected brother with WT genotype and heterozygous in the mother of the three brothers (father was deceased prior to patient recruitment). Previous homozygous missense variants in DMC1 have been identified as likely causal for NOA in Kherraf et al., 2022 (2 variants) and He et al., 2018 (1 variant), and a homozygous frameshift variant was reported in Cao et al., 2021. In 2018, Signh et al. demonstrated that DMC1 was significantly downregulated in patients with hypospermatogenesis. In both knockout and missense knock-in mouse models, homozygous male mice were infertile (Yoshida et al., 1998, Bishop et al., 1992; Boateng et al., 2013); further, a dominant missense male mouse and dominant yeast model was created (Bannister et al. 2007). In silico predictors predict this variant to be "pathogenic" (Polyphen) and "damaging" (SIFT, MutationTaster, CADD, REVEL). Protein modeling suggests that this variant would affect complex assembly/binding with BRCA2 peptide. Through sequence alignment, we have also found that this position in the protein is highly conserved across chimpanzees, dogs, mice, rats, chick, fish, and humans (among other species), suggesting its evolutionary importance.

NM_007068.4(DMC1):c.164C>T (p.Thr55Ile)

Gene: DMC1 (DNA meiotic recombinase 1; minus strand). Cytogenetic location: 22q13.1.
Variant type: single nucleotide variant.
Coding change: c.164C>T on transcript NM_007068.4 (MANE Select); coding-DNA position 164, C replaced by T.
Protein change: p.Thr55Ile; replaces threonine 55 with isoleucine.
Molecular consequence: missense variant.
Genome position (GRCh38, 1-based): chr22:38,566,669, G>A on the plus strand (C>T on the coding strand, the complement: DMC1 is on the minus strand). VCF-style: chr22-38566669-G-A. GRCh37 (hg19) VCF-style: chr22-38962674-G-A.
Other names: c.164C>T, p.Thr55Ile (NM_001278208.2, NM_001363017.2); short protein forms T55I.
Identifiers: ClinVar variation 3629598 (VCV003629598.2).